The following is an entry in ClinVar:

ClinVar aggregate classification (germline): Uncertain significance (1 of 4 stars; one submission).

Conditions:
Melnick-Needles syndrome (MNS). Also called: MELNICK-NEEDLES OSTEODYSPLASTY; OSTEODYSPLASTY OF MELNICK AND NEEDLES; Melnick-Needles Syndrome (FLNA-MNS). Identifiers: Orphanet 2484, MedGen C0025237, MONDO:0010650, OMIM 309350.
Frontometaphyseal dysplasia (FMD1). Identifiers: Orphanet 1826, MedGen C0265293, MONDO:0015942.
Heterotopia, periventricular, X-linked dominant (PVNH1). Also called: PERIVENTRICULAR NODULAR HETEROTOPIA 1; X-linked periventricular heterotopia; PERIVENTRICULAR NODULAR HETEROTOPIA 4; HETEROTOPIA, PERIVENTRICULAR, 1. Identifiers: Orphanet 2149, Orphanet 82004, MedGen C1848213, MONDO:0010233, OMIM 300049.
Oto-palato-digital syndrome, type II (OPD2). Also called: FACIOPALATOOSSEOUS SYNDROME; OPD II SYNDROME; Otopalatodigital Syndrome, Type II; Otopalatodigital Syndrome Type 2 (FLNA-OPD2). Identifiers: Orphanet 669, Orphanet 90652, MedGen C1844696, MONDO:0010571, OMIM 304120.

Submission:

Labcorp Genetics (formerly Invitae), Labcorp
Classification: Uncertain significance for Oto-palato-digital syndrome, type II; Heterotopia, periventricular, X-linked dominant; Frontometaphyseal dysplasia; Melnick-Needles syndrome. Last evaluated: 2024-07-22. Review status: criteria provided, single submitter. Criteria: Invitae Variant Classification Sherloc (09022015). Collection method: clinical testing. Allele origin: germline.
Comment: This sequence change replaces proline, which is neutral and non-polar, with leucine, which is neutral and non-polar, at codon 2439 of the FLNA protein (p.Pro2439Leu). This variant is not present in population databases (gnomAD no frequency). This variant has not been reported in the literature in individuals affected with FLNA-related conditions. Advanced modeling of protein sequence and biophysical properties (such as structural, functional, and spatial information, amino acid conservation, physicochemical variation, residue mobility, and thermodynamic stability) performed at Invitae indicates that this missense variant is not expected to disrupt FLNA protein function with a negative predictive value of 95%. In summary, the available evidence is currently insufficient to determine the role of this variant in disease. Therefore, it has been classified as a Variant of Uncertain Significance.

NM_001110556.2(FLNA):c.7340C>T (p.Pro2447Leu)

Gene: FLNA (filamin A; minus strand). Cytogenetic location: Xq28.
Variant type: single nucleotide variant.
Coding change: c.7340C>T on transcript NM_001110556.2 (MANE Select); coding-DNA position 7340, C replaced by T.
Protein change: p.Pro2447Leu; replaces proline 2447 with leucine.
Molecular consequence: missense variant.
Genome position (GRCh38, 1-based): chrX:154,349,861, G>A on the plus strand (C>T on the coding strand, the complement: FLNA is on the minus strand). VCF-style: chrX-154349861-G-A. GRCh37 (hg19) VCF-style: chrX-153578229-G-A.
Other names: c.7316C>T, p.Pro2439Leu (NM_001456.4); short protein forms P2439L, P2447L.
Identifiers: ClinVar variation 3752982 (VCV003752982.2).